The following is an entry in ClinVar:

ClinVar aggregate classification (germline): Pathogenic (1 of 4 stars; one submission).

Conditions:
Hereditary breast ovarian cancer syndrome. Also called: Hereditary breast and/or ovarian cancer syndrome; Hereditary breast and ovarian cancer; BRCA1- and BRCA2-Associated Hereditary Breast and Ovarian Cancer; Hereditary breast and ovarian cancer syndrome; Hereditary breast and ovarian cancer syndrome (HBOC); Breast and ovarian cancer. Identifiers: Orphanet 145, MedGen C0677776, MeSH D061325, MONDO:0003582. Disease mechanism: loss of function.

Submission:

Women's Health and Genetics/Laboratory Corporation of America, LabCorp
Classification: Pathogenic for Hereditary breast ovarian cancer syndrome. Last evaluated: 2025-02-03. Review status: criteria provided, single submitter. Criteria: LabCorp Variant Classification Summary - May 2015. Collection method: clinical testing. Allele origin: germline.
Comment: Variant summary: The variant involves the deletion of exons 7-13 in the PALB2 gene. A presumed nomenclature of c.(2586+1_2587-1)_(*295_?)del has been designated for the purposes of this classification. The exact breakpoint at the distal 3' end of this variant is unknown, therefore this deletion may extend downstream of the annotated region of the gene. As it encompasses the termination codon, it is predicted to escape nonsense mediated decay (NMD). The variant was absent in 21694 control chromosomes. c.(2586+1_2587-1)_(*295_?)del has been reported in the presumed heterozygous state in the literature in individual(s) affected with hereditary cancer (LaDuca_2014). These report(s) do not provide unequivocal conclusions about association of the variant with PALB2-related conditions. To our knowledge, no experimental evidence demonstrating an impact on protein function has been reported. However, at least 1 pathogenic variant in the deleted region (p.Tyr1183*) has been classified as pathogenic by Labcorp, suggesting that loss of these exons is deleterious. The following publication has been ascertained in the context of this evaluation (PMID: 24763289). ClinVar contains an entry for this variant (Variation ID: 832080). Based on the evidence outlined above, the variant was classified as pathogenic.

Literature cited by the submitters: PubMed 24763289.

NC_000016.9:g.(?_23614485)_(23637719_23640524)del

Gene: PALB2 (partner and localizer of BRCA2; minus strand). Cytogenetic location: 16p12.2.
Variant type: Deletion.
Identifiers: ClinVar variation 3768806 (VCV003768806.1).